The following is an entry in ClinVar:

ClinVar aggregate classification (germline): Likely benign (1 of 4 stars; one submission).

Allele frequency attached by ClinVar (database versions not stated): 1000 Genomes Project 30x 0.00078.

Submission:

CeGaT Center for Human Genetics Tuebingen
Classification: Likely benign. Last evaluated: 2022-11-01. Review status: criteria provided, single submitter. Criteria: CeGaT Center For Human Genetics Tuebingen Variant Classification Criteria Version 2. Collection method: clinical testing. Allele origin: germline. Affected: yes. Observed: 1 variant allele.
Comment: MUC12: BP4, BP7

NM_001164462.2(MUC12):c.6258G>A (p.Thr2086=)

Gene: MUC12 (mucin 12, cell surface associated; plus strand). Cytogenetic location: 7q22.1.
Variant type: single nucleotide variant.
Coding change: c.6258G>A on transcript NM_001164462.2 (MANE Select); coding-DNA position 6258, G replaced by A.
Protein change: p.Thr2086=; no amino-acid change (threonine 2086 retained).
Molecular consequence: synonymous variant.
Genome position (GRCh38, 1-based): chr7:100,996,821, G>A. VCF-style: chr7-100996821-G-A. GRCh37 (hg19) VCF-style: chr7-100640102-G-A.
Identifiers: ClinVar variation 2657815 (VCV002657815.24), dbSNP rs1301728909, ClinGen allele CA456910543.